The following is an entry in ClinVar:

NM_205834.4(LSR):c.1680GGA[2] (p.Glu564_Glu565del)

Gene: LSR (lipolysis stimulated lipoprotein receptor; plus strand). Cytogenetic location: 19q13.12.
Variant type: Microsatellite.
Coding change: c.1680GGA[2] on transcript NM_205834.4 (MANE Select); two copies in a row of the 3-base unit GGA starting at c.1680; the reference has four copies in a row; two copies, 6 bases deleted.
Protein change: p.Glu564_Glu565del.
Genome position (GRCh38, 1-based): chr19:35,267,650-35,267,655, GGAGGA deleted; deleting any 6 consecutive bases within chr19:35,267,643-35,267,655 gives the same sequence; the position shown is the placement nearest the transcript's 3' end. VCF-style (leftmost placement, unchanged base first): chr19-35267642-AAGGAGG-A. GRCh37 (hg19) VCF-style: chr19-35758545-AAGGAGG-A.
Other names: c.1620GGA[2], p.Glu544_Glu545del (NM_001260489.2); c.1356GGA[2], p.Glu456_Glu457del (NM_001260490.2); c.1473GGA[2], p.Glu495_Glu496del (NM_001385215.1); c.1623GGA[2], p.Glu545_Glu546del (NM_015925.7); c.1476GGA[2], p.Glu496_Glu497del (NM_205835.4).
Identifiers: ClinVar variation 3673963 (VCV003673963.2).

ClinVar aggregate classification (germline): Uncertain significance (1 of 4 stars; one submission).

Submission:

Labcorp Genetics (formerly Invitae), Labcorp
Classification: Uncertain significance. Last evaluated: 2024-05-24. Review status: criteria provided, single submitter. Criteria: Invitae Variant Classification Sherloc (09022015). Collection method: clinical testing. Allele origin: germline.
Comment: This variant, c.1830_1835del, results in the deletion of 2 amino acid(s) of the LSR protein (p.Glu612_Glu613del), but otherwise preserves the integrity of the reading frame. This variant is not present in population databases (gnomAD no frequency). This variant has not been reported in the literature in individuals affected with LSR-related conditions. Experimental studies and prediction algorithms are not available or were not evaluated, and the functional significance of this variant is currently unknown. In summary, the available evidence is currently insufficient to determine the role of this variant in disease. Therefore, it has been classified as a Variant of Uncertain Significance.